The following is an entry in ClinVar:

ClinVar aggregate classification (germline): Pathogenic (1 of 4 stars; one submission).

Conditions:
Stromme syndrome (STROMS). Also called: APPLE PEEL SYNDROME WITH MICROCEPHALY AND OCULAR ANOMALIES; Ciliary dyskinesia, primary, 31; Strømme Syndrome. Identifiers: Orphanet 444069, Orphanet 506307, MedGen C1855705, MONDO:0009477, OMIM 243605.

Submission:

Women's Health and Genetics/Laboratory Corporation of America, LabCorp
Classification: Pathogenic for Stromme syndrome. Last evaluated: 2025-04-07. Review status: criteria provided, single submitter. Criteria: LabCorp Variant Classification Summary - May 2015. Collection method: clinical testing. Allele origin: germline.
Comment: Variant summary: CENPF c.3488_3503dup16 (p.Asn1168LysfsX3) results in a premature termination codon, predicted to cause a truncation of the encoded protein or absence of the protein due to nonsense mediated decay, which are commonly known mechanisms for disease. The variant was absent in 244206 control chromosomes. To our knowledge, no occurrence of c.3488_3503dup16 in individuals affected with Stromme Syndrome and no experimental evidence demonstrating its impact on protein function have been reported. No submitters have cited clinical-significance assessments for this variant to ClinVar. Based on the evidence outlined above, the variant was classified as pathogenic.

NM_016343.4(CENPF):c.3488_3503dup (p.Asn1168delinsLysThrTer)

Gene: CENPF (centromere protein F; plus strand). Cytogenetic location: 1q41.
Variant type: Duplication.
Coding change: c.3488_3503dup on transcript NM_016343.4 (MANE Select); coding-DNA positions 3488 to 3503, 16 bases duplicated (AACATGAATGTCAAAA).
Protein change: p.Asn1168delinsLysThrTer.
Molecular consequence: nonsense.
Genome position (GRCh38, 1-based): chr1:214,641,826-214,641,841, AACATGAATGTCAAAA duplicated; duplicating any 16 consecutive bases within chr1:214,641,825-214,641,841 gives the same sequence; the c. name uses the placement nearest the transcript's 3' end. VCF-style (leftmost placement, unchanged base first): chr1-214641824-T-TAAACATGAATGTCAAA. GRCh37 (hg19) VCF-style: chr1-214815167-T-TAAACATGAATGTCAAA.
Other names: c.3488_3503dup16 (NM_016343.4).
Identifiers: ClinVar variation 3896446 (VCV003896446.2).